The following is an entry in ClinVar:

NM_003801.4(GPAA1):c.269C>T (p.Ala90Val)

Gene: GPAA1 (glycosylphosphatidylinositol anchor attachment 1; plus strand). Cytogenetic location: 8q24.3.
Variant type: single nucleotide variant.
Coding change: c.269C>T on transcript NM_003801.4 (MANE Select); coding-DNA position 269, C replaced by T.
Protein change: p.Ala90Val; replaces alanine 90 with valine.
Molecular consequence: missense variant.
Genome position (GRCh38, 1-based): chr8:144,083,403, C>T. VCF-style: chr8-144083403-C-T. GRCh37 (hg19) VCF-style: chr8-145138306-C-T.
Other names: short protein forms A90V.
Identifiers: ClinVar variation 1993885 (VCV001993885.4), dbSNP rs2537314342, ClinGen allele CA372597872.
Genomic context (GRCh38, chr8:144,083,403, plus strand): 5'-GCTAAGGCCGGGGAGCTCTGCTCAGAGGCTCCCTTCGTGTCTGCAGGGCTCTGCCAGTGG[C>T]CTGGCTTGAACGGACGATGCGGTCAGTAGGGCTGGAGGTCTACACGCAGAGTTTCTCCCG-3'
Protein context (NP_003792.1, residues 80-100): HRKKSGALPV[Ala90Val]WLERTMRSVG

ClinVar aggregate classification (germline): Uncertain significance (1 of 4 stars; one submission).

Submission:

Labcorp Genetics (formerly Invitae), Labcorp
Classification: Uncertain significance. Last evaluated: 2022-05-13. Review status: criteria provided, single submitter. Criteria: Invitae Variant Classification Sherloc (09022015). Collection method: clinical testing. Allele origin: germline.
Comment: This sequence change replaces alanine, which is neutral and non-polar, with valine, which is neutral and non-polar, at codon 90 of the GPAA1 protein (p.Ala90Val). This variant is not present in population databases (gnomAD no frequency). This variant has not been reported in the literature in individuals affected with GPAA1-related conditions. Algorithms developed to predict the effect of missense changes on protein structure and function (SIFT, PolyPhen-2, Align-GVGD) all suggest that this variant is likely to be tolerated. In summary, the available evidence is currently insufficient to determine the role of this variant in disease. Therefore, it has been classified as a Variant of Uncertain Significance.